The following is an entry in ClinVar:

NM_000051.4(ATM):c.1446del (p.Lys482fs)

Gene: ATM (ATM serine/threonine kinase; plus strand). Cytogenetic location: 11q22.3.
Variant type: Deletion.
Coding change: c.1446del on transcript NM_000051.4 (MANE Select); coding-DNA position 1446, one base deleted (A; older notation c.1446delA).
Protein change: p.Lys482fs; shifts the reading frame from lysine 482.
Molecular consequence: frameshift variant.
Genome position (GRCh38, 1-based): chr11:108,250,911, A deleted; the last of 4 consecutive A bases (chr11:108,250,908-108,250,911); deleting any one gives the same sequence. VCF-style (leftmost placement, unchanged base first): chr11-108250907-TA-T. GRCh37 (hg19) VCF-style: chr11-108121634-TA-T.
Other names: c.1446delA (NM_000051.3, NM_000051.4); c.1446del, p.Lys482fs (NM_001351834.2); short protein forms K482fs.
Identifiers: ClinVar variation 407672 (VCV000407672.18), dbSNP rs1060501670, ClinGen allele CA16612986.

ClinVar aggregate classification (germline): Pathogenic. Review status: criteria provided, multiple submitters, no conflicts (2 of 4 stars). 5 submissions from 5 submitters: Pathogenic (5). Last evaluated 2025-03-04.

Conditions:
Familial cancer of breast. Also called: Hereditary breast cancer; hereditary breast carcinoma; BREAST CANCER, FAMILIAL. Identifiers: Orphanet 227535, MedGen C0346153, MONDO:0016419, OMIM 114480. Disease mechanism: loss of function.
Ataxia-telangiectasia syndrome (AT). Also called: Ataxia telangiectasia (A-T); LOUIS-BAR SYNDROME; Cerebello-oculocutaneous telangiectasia; Immunodeficiency with ataxia telangiectasia; Ataxia-telangiectasia, complementation group D; AT, COMPLEMENTATION GROUP C. Identifiers: Orphanet 100, MedGen C0004135, MONDO:0008840, OMIM 208900.
Hereditary cancer-predisposing syndrome. Also called: Hereditary neoplastic syndrome; Neoplastic Syndromes, Hereditary; Tumor predisposition; Hereditary Cancer Syndrome. Identifiers: Orphanet 140162, MedGen C0027672, MeSH D009386, MONDO:0015356.

Submissions (5):

Center for Genomic Medicine, Rigshospitalet, Copenhagen University Hospital
Classification: Pathogenic. Last evaluated: 2025-03-04. Review status: criteria provided, single submitter. Criteria: ACMG Guidelines, 2015. Collection method: clinical testing. Allele origin: germline.

Myriad Genetics, Inc.
Classification: Pathogenic for Familial cancer of breast. Last evaluated: 2024-01-16. Review status: criteria provided, single submitter. Criteria: Myriad Autosomal Dominant, Autosomal Recessive and X-Linked Classification Criteria (2023). Collection method: clinical testing. Allele origin: unknown.
Comment: This variant is considered pathogenic. This variant creates a frameshift predicted to result in premature protein truncation.

Clinical Genetics Laboratory, Skane University Hospital Lund
Classification: Pathogenic. Last evaluated: 2023-06-22. Review status: criteria provided, single submitter. Criteria: ACMG Guidelines, 2015. Collection method: clinical testing. Allele origin: germline. Affected: yes.

Ambry Genetics
Classification: Pathogenic for Hereditary cancer-predisposing syndrome. Last evaluated: 2018-12-18. Review status: criteria provided, single submitter. Criteria: Ambry Variant Classification Scheme 2023. Collection method: clinical testing. Allele origin: germline.
Comment: The c.1446delA pathogenic mutation, located in coding exon 9 of the ATM gene, results from a deletion of one nucleotide at nucleotide position 1446, causing a translational frameshift with a predicted alternate stop codon (p.K482Nfs*14). This alteration is expected to result in loss of function by premature protein truncation or nonsense-mediated mRNA decay. As such, this alteration is interpreted as a disease-causing mutation.

Labcorp Genetics (formerly Invitae), Labcorp
Classification: Pathogenic for Ataxia-telangiectasia syndrome. Last evaluated: 2016-07-26. Review status: criteria provided, single submitter. Criteria: Invitae Variant Classification Sherloc (09022015). Collection method: clinical testing. Allele origin: germline.
Comment: While this particular variant has not been reported in the literature, loss-of-function variants in ATM are known to be pathogenic (PMID: 10817650, 19781682). For these reasons, this variant has been classified as Pathogenic. This sequence change creates a premature translational stop signal at codon 482 (p.Lys482Asnfs*14) of the ATM gene. It is expected to result in an absent or disrupted protein product.

Literature cited by the submitters: PubMed 10817650 (cited by Labcorp Genetics (formerly Invitae), Labcorp); PubMed 19781682 (cited by Labcorp Genetics (formerly Invitae), Labcorp).